The following is an entry in ClinVar:

NM_006915.3(RP2):c.239_240del (p.Thr80fs)

Gene: RP2 (RP2 activator of ARL3 GTPase; plus strand). Cytogenetic location: Xp11.3.
Variant type: Deletion.
Coding change: c.239_240del on transcript NM_006915.3 (MANE Select); coding-DNA positions 239 to 240, 2 bases deleted (CA; older notation c.239_240delCA).
Protein change: p.Thr80fs; shifts the reading frame from threonine 80.
Molecular consequence: frameshift variant.
Genome position (GRCh38, 1-based): chrX:46,853,612-46,853,613, CA deleted; deleting any 2 consecutive bases within chrX:46,853,611-46,853,613 gives the same sequence; the c. name uses the placement nearest the transcript's 3' end. VCF-style (leftmost placement, unchanged base first): chrX-46853610-TAC-T. GRCh37 (hg19) VCF-style: chrX-46713045-TAC-T.
Other names: short protein forms T80fs.
Identifiers: ClinVar variation 1426488 (VCV001426488.6), dbSNP rs2147081219, ClinGen allele CA2573158914.

ClinVar aggregate classification (germline): Pathogenic (1 of 4 stars; one submission).

Submission:

Labcorp Genetics (formerly Invitae), Labcorp
Classification: Pathogenic. Last evaluated: 2021-04-05. Review status: criteria provided, single submitter. Criteria: Invitae Variant Classification Sherloc (09022015). Collection method: clinical testing. Allele origin: germline.
Comment: For these reasons, this variant has been classified as Pathogenic. This variant has not been reported in the literature in individuals with RP2-related conditions. This variant is not present in population databases (ExAC no frequency). This sequence change creates a premature translational stop signal (p.Thr80Serfs*4) in the RP2 gene. It is expected to result in an absent or disrupted protein product. Loss-of-function variants in RP2 are known to be pathogenic (PMID: 11992260, 20625056).

Literature cited by the submitters: PubMed 11992260; PubMed 20625056.